The following is an entry in ClinVar:

ClinVar aggregate classification (germline): Uncertain significance (1 of 4 stars; one submission).

Conditions:
Charcot-Marie-Tooth disease type 2. Also called: Charcot-Marie-Tooth type 2. Identifiers: Orphanet 64746, MedGen C0270914, MONDO:0018993.

Submission:

Labcorp Genetics (formerly Invitae), Labcorp
Classification: Uncertain significance for Charcot-Marie-Tooth disease type 2. Last evaluated: 2021-10-21. Review status: criteria provided, single submitter. Criteria: Invitae Variant Classification Sherloc (09022015). Collection method: clinical testing. Allele origin: germline.
Comment: In summary, the available evidence is currently insufficient to determine the role of this variant in disease. Therefore, it has been classified as a Variant of Uncertain Significance. Variants that disrupt the consensus splice site are a relatively common cause of aberrant splicing (PMID: 17576681, 9536098). Algorithms developed to predict the effect of sequence changes on RNA splicing suggest that this variant is not likely to affect RNA splicing. This variant has not been reported in the literature in individuals affected with MFN2-related conditions. This variant is not present in population databases (ExAC no frequency). This sequence change falls in intron 15 of the MFN2 gene. It does not directly change the encoded amino acid sequence of the MFN2 protein. It affects a nucleotide within the consensus splice site of the intron.

Literature cited by the submitters: PubMed 17576681; PubMed 9536098.

NM_014874.4(MFN2):c.1716+6C>G

Genes: MFN2 (mitofusin 2; plus strand), LOC129929426 (ATAC-STARR-seq lymphoblastoid active region 185; plus strand). Cytogenetic location: 1p36.22.
Variant type: single nucleotide variant.
Coding change: c.1716+6C>G on transcript NM_014874.4 (MANE Select); 6 bases into the intron after coding-DNA position 1716, C replaced by G.
Molecular consequence: intron variant.
Genome position (GRCh38, 1-based): chr1:12,005,937, C>G. VCF-style: chr1-12005937-C-G. GRCh37 (hg19) VCF-style: chr1-12065994-C-G.
Other names: c.1716+6C>G (NM_001127660.2).
Identifiers: ClinVar variation 651031 (VCV000651031.7), dbSNP rs1569866132, ClinGen allele CA915941139.